The following is an entry in ClinVar:

ClinVar aggregate classification (germline): Pathogenic/Likely pathogenic. Review status: criteria provided, multiple submitters, no conflicts (2 of 4 stars). 3 submissions from 3 submitters: Pathogenic (1); Likely pathogenic (2). Last evaluated 2022-03-22.

Conditions:
Autosomal recessive limb-girdle muscular dystrophy type 2K. Also called: MUSCULAR DYSTROPHY-DYSTROGLYCANOPATHY (LIMB-GIRDLE), TYPE C, 1; MUSCULAR DYSTROPHY, LIMB-GIRDLE, TYPE 2K. Identifiers: Orphanet 86812, MedGen C1836373, MONDO:0012248, OMIM 609308.
Walker-Warburg congenital muscular dystrophy. Also called: Muscular dystrophy-dystroglycanopathy, type A; Walker-Warburg syndrome. Identifiers: Orphanet 899, MedGen C0265221, MONDO:0000171.
Muscular dystrophy-dystroglycanopathy (congenital with impaired intellectual development), type B, 1. Also called: Muscular dystrophy-dystroglycanopathy (congenital with intellectual disability), type B1; MUSCULAR DYSTROPHY, CONGENITAL, POMT1-RELATED. Identifiers: MedGen C5436962, MONDO:0013159, OMIM 613155.
Muscular dystrophy-dystroglycanopathy (congenital with brain and eye anomalies), type A1 (MDDGA1). Also called: COD-MD SYNDROME; Muscular dystrophy-dystroglycanopathy (congenital with brain and eye anomalies), type A, 1; WALKER-WARBURG SYNDROME OR MUSCLE-EYE-BRAIN DISEASE, POMT1-RELATED; Hydrocephalus, agyria and retinal dysplasia; Hard +/- E syndrome; Warburg syndrome. Identifiers: Orphanet 588, Orphanet 899, MedGen C4284790, MONDO:0009364, OMIM 236670.

Allele frequency attached by ClinVar (database versions not stated): TOPMed 0.00001.

Submissions (3):

Labcorp Genetics (formerly Invitae), Labcorp
Classification: Pathogenic for Muscular dystrophy-dystroglycanopathy (congenital with impaired intellectual development), type B, 1; Walker-Warburg congenital muscular dystrophy; Autosomal recessive limb-girdle muscular dystrophy type 2K. Last evaluated: 2022-03-22. Review status: criteria provided, single submitter. Criteria: Invitae Variant Classification Sherloc (09022015). Collection method: clinical testing. Allele origin: germline.
Comment: For these reasons, this variant has been classified as Pathogenic. Algorithms developed to predict the effect of sequence changes on RNA splicing suggest that this variant may disrupt the consensus splice site. ClinVar contains an entry for this variant (Variation ID: 982897). Disruption of this splice site has been observed in individual(s) with clinical features of POMT1-related conditions (Invitae). In at least one individual the data is consistent with being in trans (on the opposite chromosome) from a pathogenic variant. This variant is not present in population databases (gnomAD no frequency). This sequence change affects a splice site in intron 5 of the POMT1 gene. It is expected to disrupt RNA splicing. Variants that disrupt the donor or acceptor splice site typically lead to a loss of protein function (PMID: 16199547), and loss-of-function variants in POMT1 are known to be pathogenic (PMID: 12369018, 15637732, 16575835).

MGZ Medical Genetics Center
Classification: Likely pathogenic for Muscular dystrophy-dystroglycanopathy (congenital with brain and eye anomalies), type A1. Last evaluated: 2021-08-27. Review status: criteria provided, single submitter. Criteria: ACMG Guidelines, 2015. Collection method: clinical testing. Allele origin: germline. Affected: yes. Observed: 1 variant allele.
Comment: ACMG criteria applied: PVS1, PM2_SUP

Institute of Human Genetics, University of Leipzig Medical Center
Classification: Likely pathogenic for Muscular dystrophy-dystroglycanopathy (congenital with brain and eye anomalies), type A1. Last evaluated: 2019-01-01. Review status: criteria provided, single submitter. Criteria: ACMG Guidelines, 2015. Collection method: clinical testing. Allele origin: unknown. Affected: yes.

Literature cited by the submitters: PubMed 16199547 (cited by Labcorp Genetics (formerly Invitae), Labcorp); PubMed 12369018 (cited by Labcorp Genetics (formerly Invitae), Labcorp); PubMed 15637732 (cited by Labcorp Genetics (formerly Invitae), Labcorp); PubMed 16575835 (cited by Labcorp Genetics (formerly Invitae), Labcorp).

NM_001077365.2(POMT1):c.427+1_427+2insA

Gene: POMT1 (protein O-mannosyltransferase 1; plus strand). Cytogenetic location: 9q34.13.
Variant type: Insertion.
Coding change: c.427+1_427+2insA on transcript NM_001077365.2 (MANE Select); the canonical splice donor site of the intron after coding-DNA position 427, A inserted.
Molecular consequence: splice donor variant. On other transcripts: intron variant (2).
Genome position: GRCh38 VCF-style: chr9-131507515-G-GA. GRCh37 (hg19) VCF-style: chr9-134382902-G-GA.
Other names: c.265+1_265+2insA (NM_001353198.2, NM_001353194.2, NM_001374689.1 and 3 more transcripts); c.427+1_427+2insA (NM_001353193.2, NM_001136113.2, NM_007171.4 and 1 more transcripts); c.76+1_76+2insA (NM_001374691.1, NM_001353195.2, NM_001374692.1 and 2 more transcripts); c.337+1_337+2insA (NM_001353196.2); c.-29-1396_-29-1395insA (NM_001374695.1); c.-30+1062_-30+1063insA (NM_001353200.2).
Identifiers: ClinVar variation 982897 (VCV000982897.7), dbSNP rs900762841, ClinGen allele CA200779417.